The following is an entry in ClinVar:

ClinVar aggregate classification (germline): Pathogenic/Likely pathogenic. Review status: criteria provided, multiple submitters, no conflicts (2 of 4 stars). 3 submissions from 3 submitters: Pathogenic (1); Likely pathogenic (1). 1 of the submissions does not count toward it. Last evaluated 2026-01-30.

Conditions:
CNGB1-related disorder. Also called: CNGB1-related condition.
Retinitis pigmentosa (RP). Identifiers: Orphanet 791, MedGen C0035334, MeSH D012174, MONDO:0019200, OMIM 268000. Inheritance: Autosomal dominant, autosomal recessive and X linked inheritance.

Allele frequency attached by ClinVar (database versions not stated): gnomAD exomes 0.00006 and 0.00007; TOPMed 0.00006; ExAC 0.00007; gnomAD 0.00011; ESP Exome Variant Server 0.00025.
gnomAD v4.1: 121 of 1,613,948 alleles (0.0075%); highest among the groups gnomAD compares: Middle Eastern, 0.033%; no homozygotes.

Submissions (3):

Labcorp Genetics (formerly Invitae), Labcorp
Classification: Likely pathogenic. Last evaluated: 2026-01-30. Review status: criteria provided, single submitter. Criteria: Invitae Variant Classification Sherloc (09022015). Collection method: clinical testing. Allele origin: germline.
Comment: This sequence change replaces glycine, which is neutral and non-polar, with arginine, which is basic and polar, at codon 877 of the CNGB1 protein (p.Gly877Arg). This variant is present in population databases (rs200963831, gnomAD 0.01%). This missense change has been observed in individuals with retinitis pigmentosa (PMID: 31456290, 33576794, 38705136; internal data). ClinVar contains an entry for this variant (Variation ID: 812284). Invitae Evidence Modeling of protein sequence and biophysical properties (such as structural, functional, and spatial information, amino acid conservation, physicochemical variation, residue mobility, and thermodynamic stability) indicates that this missense variant is expected to disrupt CNGB1 protein function with a positive predictive value of 80%. In summary, the currently available evidence indicates that the variant is pathogenic, but additional data are needed to prove that conclusively. Therefore, this variant has been classified as Likely Pathogenic.

Blueprint Genetics
Classification: Pathogenic for CNGB1-related disorders. Last evaluated: 2024-10-31. Review status: criteria provided, single submitter. Criteria: ACMG Guidelines, 2015. Collection method: clinical testing. Allele origin: germline. Affected: yes. Observed: 5 variant alleles.

Sharon lab, Hadassah-Hebrew University Medical Center
Classification: Pathogenic for Retinitis pigmentosa. Last evaluated: 2019-06-23. Review status: no assertion criteria provided. Collection method: research. Allele origin: inherited. Affected: yes. Not counted in ClinVar's aggregate classification.

Literature cited by the submitters: PubMed 31456290 (cited by Labcorp Genetics (formerly Invitae), Labcorp); PubMed 33576794 (cited by Labcorp Genetics (formerly Invitae), Labcorp); PubMed 38705136 (cited by Labcorp Genetics (formerly Invitae), Labcorp).

NM_001297.5(CNGB1):c.2629G>A (p.Gly877Arg)

Gene: CNGB1 (cyclic nucleotide gated channel subunit beta 1; minus strand). Cytogenetic location: 16q21.
Variant type: single nucleotide variant.
Coding change: c.2629G>A on transcript NM_001297.5 (MANE Select); coding-DNA position 2629, G replaced by A.
Protein change: p.Gly877Arg; replaces glycine 877 with arginine.
Molecular consequence: missense variant.
Genome position (GRCh38, 1-based): chr16:57,904,739, C>T on the plus strand (G>A on the coding strand, the complement: CNGB1 is on the minus strand). VCF-style: chr16-57904739-C-T. GRCh37 (hg19) VCF-style: chr16-57938643-C-T.
Other names: c.2611G>A, p.Gly871Arg (NM_001286130.2); short protein forms G871R, G877R.
Identifiers: ClinVar variation 812284 (VCV000812284.11), dbSNP rs200963831, ClinGen allele CA8082911.
Genomic context (GRCh38, chr16:57,904,739, plus strand): 5'-TGGGAGGGGGCCCTGCAGTCAGGTGGGGTGGGAAGCTGGGCTGGTGCCCCGATACCTGTC[C>T]GATCATCACAGAGAAAGCAAAGACGCCCGTGAAATAATTCAGCAGCTGGAAGACAATTTC-3'
Protein context (NP_001288.3, residues 867-887): TGVFAFSVMI[Gly877Arg]QMRDVVGAAT